The following is an entry in ClinVar:

NM_001903.5(CTNNA1):c.2555T>G (p.Leu852Arg)

Gene: CTNNA1 (catenin alpha 1; plus strand). Cytogenetic location: 5q31.2.
Variant type: single nucleotide variant.
Coding change: c.2555T>G on transcript NM_001903.5 (MANE Select); coding-DNA position 2555, T replaced by G.
Protein change: p.Leu852Arg; replaces leucine 852 with arginine.
Molecular consequence: missense variant. On other transcripts: 3 prime UTR variant (5).
Genome position (GRCh38, 1-based): chr5:138,933,923, T>G. VCF-style: chr5-138933923-T-G. GRCh37 (hg19) VCF-style: chr5-138269612-T-G.
Other names: c.*100T>G (NM_001290307.3, NM_001324002.1, NM_001324003.1 and 2 more transcripts); c.2246T>G, p.Leu749Arg (NM_001290309.3); c.2186T>G, p.Leu729Arg (NM_001290310.3); c.1445T>G, p.Leu482Arg (NM_001290312.1, NM_001323987.1, NM_001323988.1 and 12 more transcripts); c.2555T>G, p.Leu852Arg (NM_001323982.2, NM_001323983.1, NM_001323984.2); c.2528T>G, p.Leu843Arg (NM_001323985.2); c.2462T>G, p.Leu821Arg (NM_001323986.2); c.1310T>G, p.Leu437Arg (NM_001324001.1); and 3 more; short protein forms L401R, L729R, L749R, L821R, L437R, L852R, L482R, L843R.
Identifiers: ClinVar variation 1793010 (VCV001793010.2), dbSNP rs2533951701, ClinGen allele CA361135471.

ClinVar aggregate classification (germline): Uncertain significance (1 of 4 stars; one submission).

Conditions:
Hereditary cancer-predisposing syndrome. Also called: Tumor predisposition; Hereditary Cancer Syndrome; Neoplastic Syndromes, Hereditary; Hereditary neoplastic syndrome. Identifiers: Orphanet 140162, MedGen C0027672, MeSH D009386, MONDO:0015356.

Submission:

Ambry Genetics
Classification: Uncertain significance for Hereditary cancer-predisposing syndrome. Last evaluated: 2021-10-26. Review status: criteria provided, single submitter. Criteria: Ambry Variant Classification Scheme 2023. Collection method: clinical testing. Allele origin: germline.
Comment: The p.L852R variant (also known as c.2555T>G), located in coding exon 17 of the CTNNA1 gene, results from a T to G substitution at nucleotide position 2555. The leucine at codon 852 is replaced by arginine, an amino acid with dissimilar properties. This amino acid position is conserved. In addition, this alteration is predicted to be tolerated by in silico analysis. Since supporting evidence is limited at this time, the clinical significance of this alteration remains unclear.